The following is an entry in ClinVar:

NM_001797.4(CDH11):c.426G>A (p.Pro142=)

Gene: CDH11 (cadherin 11; minus strand). Cytogenetic location: 16q21.
Variant type: single nucleotide variant.
Coding change: c.426G>A on transcript NM_001797.4 (MANE Select); coding-DNA position 426, G replaced by A.
Protein change: p.Pro142=; no amino-acid change (proline 142 retained).
Molecular consequence: synonymous variant.
Genome position (GRCh38, 1-based): chr16:64,998,659, C>T on the plus strand (G>A on the coding strand, the complement: CDH11 is on the minus strand). VCF-style: chr16-64998659-C-T. GRCh37 (hg19) VCF-style: chr16-65032562-C-T.
Other names: c.426G>A, p.Pro142= (NM_001308392.2); c.48G>A, p.Pro16= (NM_001330576.2).
Identifiers: ClinVar variation 3777905 (VCV003777905.7).
Genomic context (GRCh38, chr16:64,998,659, plus strand): 5'-CTCGTGCAGGAACTCCGGAGGGTTGTCATTAATGTCCTGGACCTTGACAATGAATTCCGA[C>T]GGTGGCTCCAGTGGCCGATTGGTGTCCCTGTCCACCGCCTGAGCCATCAACGTGTACTGG-3'
Protein context (NP_001788.2, residues 132-152): DRDTNRPLEP[Pro142=]SEFIVKVQDI

ClinVar aggregate classification (germline): Likely benign (1 of 4 stars; one submission).

gnomAD v4.1: 56 of 1,613,988 alleles (0.0035%); highest among the groups gnomAD compares: African/African-American, 0.008%; no homozygotes.

Submission:

CeGaT Center for Human Genetics Tuebingen
Classification: Likely benign. Last evaluated: 2025-03-01. Review status: criteria provided, single submitter. Criteria: CeGaT Center For Human Genetics Tuebingen Variant Classification Criteria Version 2. Collection method: clinical testing. Allele origin: germline. Affected: yes. Observed: 1 variant allele.
Comment: CDH11: BP4, BP7